The following is an entry in ClinVar:

ClinVar aggregate classification (germline): Uncertain significance (1 of 4 stars; one submission).

Allele frequency attached by ClinVar (database versions not stated): gnomAD exomes below 0.00001.
gnomAD v4.1: 2 of 1,614,132 alleles (0.00012%); highest among the groups gnomAD compares: Non-Finnish European, 0.00017%; no homozygotes.

Submission:

Labcorp Genetics (formerly Invitae), Labcorp
Classification: Uncertain significance. Last evaluated: 2023-12-07. Review status: criteria provided, single submitter. Criteria: Invitae Variant Classification Sherloc (09022015). Collection method: clinical testing. Allele origin: germline.
Comment: This sequence change replaces threonine, which is neutral and polar, with alanine, which is neutral and non-polar, at codon 282 of the NIN protein (p.Thr282Ala). This variant is not present in population databases (gnomAD no frequency). This variant has not been reported in the literature in individuals affected with NIN-related conditions. ClinVar contains an entry for this variant (Variation ID: 2089315). Algorithms developed to predict the effect of missense changes on protein structure and function output the following: SIFT: "Not Available"; PolyPhen-2: "Benign"; Align-GVGD: "Not Available". The alanine amino acid residue is found in multiple mammalian species, which suggests that this missense change does not adversely affect protein function. In summary, the available evidence is currently insufficient to determine the role of this variant in disease. Therefore, it has been classified as a Variant of Uncertain Significance.

NM_020921.4(NIN):c.844A>G (p.Thr282Ala)

Gene: NIN (ninein; minus strand). Cytogenetic location: 14q22.1.
Variant type: single nucleotide variant.
Coding change: c.844A>G on transcript NM_020921.4 (MANE Select); coding-DNA position 844, A replaced by G.
Protein change: p.Thr282Ala; replaces threonine 282 with alanine.
Molecular consequence: missense variant.
Genome position (GRCh38, 1-based): chr14:50,772,438, T>C on the plus strand (A>G on the coding strand, the complement: NIN is on the minus strand). VCF-style: chr14-50772438-T-C. GRCh37 (hg19) VCF-style: chr14-51239156-T-C.
Other names: c.844A>G, p.Thr282Ala (NM_016350.5, NM_182944.3, NM_182946.2); short protein forms T282A.
Identifiers: ClinVar variation 2089315 (VCV002089315.4), dbSNP rs2506103893, ClinGen allele CA389668729.